The following is an entry in ClinVar:

NM_015631.6(TCTN3):c.1327C>T (p.Gln443Ter)

Gene: TCTN3 (tectonic family member 3; minus strand). Cytogenetic location: 10q24.1.
Variant type: single nucleotide variant.
Coding change: c.1327C>T on transcript NM_015631.6 (MANE Select); coding-DNA position 1327, C replaced by T.
Protein change: p.Gln443Ter; replaces glutamine 443 with a stop codon.
Molecular consequence: nonsense.
Genome position (GRCh38, 1-based): chr10:95,682,776, G>A on the plus strand (C>T on the coding strand, the complement: TCTN3 is on the minus strand). VCF-style: chr10-95682776-G-A. GRCh37 (hg19) VCF-style: chr10-97442533-G-A.
Other names: c.883C>T, p.Gln295Ter (NM_001143973.2); c.1327C>T (NM_015631.5); short protein forms Q443*, Q295*.
Identifiers: ClinVar variation 37058 (VCV000037058.8), dbSNP rs387907273, ClinGen allele CA130048.

ClinVar aggregate classification (germline): Pathogenic/Likely pathogenic. Review status: criteria provided, multiple submitters, no conflicts (2 of 4 stars). 3 submissions from 3 submitters: Pathogenic (1); Likely pathogenic (1). 1 of the submissions does not count toward it. Last evaluated 2025-04-14.

Conditions:
Joubert syndrome 18 (JBTS18). Identifiers: Orphanet 2754, MedGen C3553758, MONDO:0013896, OMIM 614815.
Orofacial-digital syndrome IV (OFD4). Also called: BARAITSER-BURN SYNDROME; OFD SYNDROME WITH TIBIAL DEFECTS; OFD SYNDROME, BARAITSER-BURN TYPE; OFDS IV; ORAL-FACIAL-DIGITAL SYNDROME, TYPE IV; Orofaciodigital syndrome IV. Identifiers: Orphanet 2753, MedGen C0406727, MONDO:0009794, OMIM 258860.

Allele frequency attached by ClinVar (database versions not stated): gnomAD exomes below 0.00001; ExAC 0.00001; gnomAD 0.00004; TOPMed 0.00005.
gnomAD v4.1: 10 of 1,613,914 alleles (0.00062%); highest among the groups gnomAD compares: African/African-American, 0.012%; no homozygotes.

Submissions (3):

Labcorp Genetics (formerly Invitae), Labcorp
Classification: Pathogenic for Joubert syndrome 18; Orofacial-digital syndrome IV. Last evaluated: 2025-04-14. Review status: criteria provided, single submitter. Criteria: Invitae Variant Classification Sherloc (09022015). Collection method: clinical testing. Allele origin: germline.
Comment: This sequence change creates a premature translational stop signal (p.Gln443*) in the TCTN3 gene. It is expected to result in an absent or disrupted protein product. Loss-of-function variants in TCTN3 are known to be pathogenic (PMID: 2692869, 22883145, 25118024). This variant is present in population databases (rs387907273, gnomAD 0.008%). This premature translational stop signal has been observed in individual(s) with clinical features of orofaciodigital syndrome (PMID: 22883145). ClinVar contains an entry for this variant (Variation ID: 37058). Algorithms developed to predict the effect of sequence changes on RNA splicing suggest that this variant may disrupt the consensus splice site. For these reasons, this variant has been classified as Pathogenic.

Genetic Services Laboratory, University of Chicago
Classification: Likely pathogenic. Last evaluated: 2024-10-16. Review status: criteria provided, single submitter. Criteria: ACMG Guidelines, 2015. Collection method: clinical testing. Allele origin: germline. Affected: yes.
Comment: DNA sequence analysis of the TCTN3 gene demonstrated a sequence change, c.1327C>T, which results in the creation of a premature stop codon at amino acid position 443, p.Gln443*. This likely pathogenic sequence change is predicted to result in an abnormal transcript, which may be degraded, or may lead to the production of a truncated TCTN3 protein with potentially abnormal function. This sequence change has been described in the gnomAD database with a frequency of 0.0006% in the global population (dbSNP rs387907273). This pathogenic sequence change has previously been described in the homozygous state in a fetus with clinical features of orofaciodigital syndrome (PMID: 22883145). Loss-of-function variants in the TCTN3 gene are known to be pathogenic (PMID: 2692869, 22883145, 25118024). These collective evidences indicate that this sequence change is likely pathogenic, however functional studies have not been performed to prove this conclusively.

OMIM
Classification: Pathogenic for OROFACIODIGITAL SYNDROME IV. Last evaluated: 2012-08-10. Review status: no assertion criteria provided. Collection method: literature only. Allele origin: germline. Not counted in ClinVar's aggregate classification.

Literature cited by the submitters: PubMed 2692869 (cited by Labcorp Genetics (formerly Invitae), Labcorp); PubMed 22883145 (cited by Labcorp Genetics (formerly Invitae), Labcorp and OMIM); PubMed 25118024 (cited by Labcorp Genetics (formerly Invitae), Labcorp).